The following is an entry in ClinVar:

ClinVar aggregate classification (germline): Uncertain significance (1 of 4 stars; one submission).

Conditions:
Osteogenesis imperfecta type I (OI1). Also called: OI, TYPE I; OSTEOGENESIS IMPERFECTA TARDA; OSTEOGENESIS IMPERFECTA WITH BLUE SCLERAE; Osteogenesis imperfecta type 1; Lobstein's Disease; Lobstein disease. Identifiers: Orphanet 216796, Orphanet 666, MedGen C0023931, MONDO:0008146, OMIM 166200. Disease mechanism: loss of function.

Submission:

Labcorp Genetics (formerly Invitae), Labcorp
Classification: Uncertain significance for Osteogenesis imperfecta type I. Last evaluated: 2025-06-15. Review status: criteria provided, single submitter. Criteria: Invitae Variant Classification Sherloc (09022015). Collection method: clinical testing. Allele origin: germline.
Comment: This sequence change affects codon 334 of the COL1A1 mRNA. It is a 'silent' change, meaning that it does not change the encoded amino acid sequence of the COL1A1 protein. It affects a nucleotide within the consensus splice site. This variant is not present in population databases (gnomAD no frequency). This variant has not been reported in the literature in individuals affected with COL1A1-related conditions. ClinVar contains an entry for this variant (Variation ID: 3712588). Algorithms developed to predict the effect of sequence changes on RNA splicing suggest that this variant is not likely to affect RNA splicing. In summary, the available evidence is currently insufficient to determine the role of this variant in disease. Therefore, it has been classified as a Variant of Uncertain Significance.

NM_000088.4(COL1A1):c.1002T>C (p.Pro334=)

Gene: COL1A1 (collagen type I alpha 1 chain; minus strand). Cytogenetic location: 17q21.33.
Variant type: single nucleotide variant.
Coding change: c.1002T>C on transcript NM_000088.4 (MANE Select); coding-DNA position 1002, T replaced by C.
Protein change: p.Pro334=; no amino-acid change (proline 334 retained).
Molecular consequence: synonymous variant.
Genome position (GRCh38, 1-based): chr17:50,196,155, A>G on the plus strand (T>C on the coding strand, the complement: COL1A1 is on the minus strand). VCF-style: chr17-50196155-A-G. GRCh37 (hg19) VCF-style: chr17-48273516-A-G.
Identifiers: ClinVar variation 3712588 (VCV003712588.2).